The following is an entry in ClinVar:

NM_139057.4(ADAMTS17):c.3035C>T (p.Pro1012Leu)

Gene: ADAMTS17 (ADAM metallopeptidase with thrombospondin type 1 motif 17; minus strand). Cytogenetic location: 15q26.3.
Variant type: single nucleotide variant.
Coding change: c.3035C>T on transcript NM_139057.4 (MANE Select); coding-DNA position 3035, C replaced by T.
Protein change: p.Pro1012Leu; replaces proline 1012 with leucine.
Molecular consequence: missense variant.
Genome position (GRCh38, 1-based): chr15:99,976,137, G>A on the plus strand (C>T on the coding strand, the complement: ADAMTS17 is on the minus strand). VCF-style: chr15-99976137-G-A. GRCh37 (hg19) VCF-style: chr15-100516342-G-A.
Other names: short protein forms P1012L.
Identifiers: ClinVar variation 1366346 (VCV001366346.6), dbSNP rs760134320, ClinGen allele CA7757495.
Genomic context (GRCh38, chr15:99,976,137, plus strand): 5'-ATCCTGTCGTTGCAGACCTCCTGGTAGCACTGTCTGTAGGGGGCAGGCTTCGAGAGGGCG[G>A]GGCACTCGCTGCCGTGGCGCCCTGTGACCTTGTGCATGCACTGCACCACCCGGGACTGCA-3'
Protein context (NP_620688.2, residues 1002-1022): KVTGRHGSEC[Pro1012Leu]ALSKPAPYRQ

ClinVar aggregate classification (germline): Uncertain significance (1 of 4 stars; one submission).

Allele frequency attached by ClinVar (database versions not stated): gnomAD exomes 0.00001 and below 0.00001; ExAC 0.00005.
gnomAD v4.1: 7 of 1,551,062 alleles (0.00045%); highest among the groups gnomAD compares: South Asian, 0.006%; no homozygotes.

Submission:

Labcorp Genetics (formerly Invitae), Labcorp
Classification: Uncertain significance. Last evaluated: 2026-01-06. Review status: criteria provided, single submitter. Criteria: Invitae Variant Classification Sherloc (09022015). Collection method: clinical testing. Allele origin: germline.
Comment: This sequence change replaces proline, which is neutral and non-polar, with leucine, which is neutral and non-polar, at codon 1012 of the ADAMTS17 protein (p.Pro1012Leu). This variant is present in population databases (rs760134320, gnomAD 0.004%). This variant has not been reported in the literature in individuals affected with ADAMTS17-related conditions. ClinVar contains an entry for this variant (Variation ID: 1366346). An algorithm developed to predict the effect of missense changes on protein structure and function (PolyPhen-2) suggests that this variant is likely to be tolerated. In summary, the available evidence is currently insufficient to determine the role of this variant in disease. Therefore, it has been classified as a Variant of Uncertain Significance.